The following is an entry in ClinVar:

NM_006361.6(HOXB13):c.735G>A (p.Lys245=)

Gene: HOXB13 (homeobox B13; minus strand). Cytogenetic location: 17q21.32.
Variant type: single nucleotide variant.
Coding change: c.735G>A on transcript NM_006361.6 (MANE Select); coding-DNA position 735, G replaced by A.
Protein change: p.Lys245=; no amino-acid change (lysine 245 retained).
Molecular consequence: synonymous variant.
Genome position (GRCh38, 1-based): chr17:48,726,910, C>T on the plus strand (G>A on the coding strand, the complement: HOXB13 is on the minus strand). VCF-style: chr17-48726910-C-T. GRCh37 (hg19) VCF-style: chr17-46804272-C-T.
Other names: p.K245K:AAG>AAA; p.Lys245=.
Identifiers: ClinVar variation 182504 (VCV000182504.40), dbSNP rs138675188, ClinGen allele CA299231.

ClinVar aggregate classification (germline): Benign/Likely benign. Review status: criteria provided, multiple submitters, no conflicts (2 of 4 stars). 13 submissions from 13 submitters: Benign (7); Likely benign (4). 2 of the submissions do not count toward it. Last evaluated 2026-02-03.

Conditions:
HOXB13-related disorder. Also called: HOXB13-related condition; HOXB13-related disorders.
Prostate cancer, hereditary, 9 (HPC9). Identifiers: Orphanet 1331, MedGen C1970250, MONDO:0012597, OMIM 610997.
Hereditary cancer-predisposing syndrome. Also called: Tumor predisposition; Neoplastic Syndromes, Hereditary; Hereditary Cancer Syndrome; Hereditary neoplastic syndrome. Identifiers: Orphanet 140162, MedGen C0027672, MeSH D009386, MONDO:0015356.

Allele frequency attached by ClinVar (database versions not stated): 1000 Genomes Project 0.00120; gnomAD 0.00139 and 0.00147; ESP Exome Variant Server 0.00154; TOPMed 0.00158; gnomAD exomes 0.00034; ExAC 0.00045; 1000 Genomes Project 30x 0.00109.
gnomAD v4.1: 452 of 1,614,086 alleles (0.028%); highest among the groups gnomAD compares: African/African-American, 0.5%; 2 homozygotes.

Submissions (13):

Labcorp Genetics (formerly Invitae), Labcorp
Classification: Benign. Last evaluated: 2026-02-03. Review status: criteria provided, single submitter. Criteria: Invitae Variant Classification Sherloc (09022015). Collection method: clinical testing. Allele origin: germline.

Mayo Clinic Laboratories, Mayo Clinic
Classification: Likely benign. Last evaluated: 2025-06-11. Review status: criteria provided, single submitter. Criteria: ACMG Guidelines, 2015. Collection method: clinical testing. Allele origin: germline. Observed: 1 variant allele.
Comment: BP4, BP7

Quest Diagnostics Nichols Institute San Juan Capistrano
Classification: Benign. Last evaluated: 2025-06-06. Review status: criteria provided, single submitter. Criteria: Quest Diagnostics criteria. Collection method: clinical testing. Allele origin: unknown.

ARUP Laboratories, Molecular Genetics and Genomics, ARUP Laboratories
Classification: Benign for Prostate cancer, hereditary, 9. Last evaluated: 2024-12-26. Review status: criteria provided, single submitter. Criteria: ARUP Molecular Germline Variant Investigation Process 2024. Collection method: clinical testing. Allele origin: germline.

CeGaT Center for Human Genetics Tuebingen
Classification: Likely benign. Last evaluated: 2024-11-01. Review status: criteria provided, single submitter. Criteria: CeGaT Center For Human Genetics Tuebingen Variant Classification Criteria Version 2. Collection method: clinical testing. Allele origin: germline. Affected: yes. Observed: 1 variant allele.
Comment: HOXB13: BP4, BP7, BS1

Myriad Genetics, Inc.
Classification: Benign for Prostate cancer, hereditary, 9. Last evaluated: 2024-10-31. Review status: criteria provided, single submitter. Criteria: Myriad Autosomal Dominant, Autosomal Recessive and X-Linked Classification Criteria (2023). Collection method: clinical testing. Allele origin: unknown.
Comment: This variant is considered benign. This variant is a silent/synonymous amino acid change and it is not expected to impact splicing.

KCCC/NGS Laboratory, Kuwait Cancer Control Center
Classification: Benign for Prostate cancer, hereditary, 9. Last evaluated: 2023-07-07. Review status: criteria provided, single submitter. Criteria: ACMG Guidelines, 2015. Collection method: clinical testing. Allele origin: germline. Affected: yes.

Women's Health and Genetics/Laboratory Corporation of America, LabCorp
Classification: Benign. Last evaluated: 2022-05-27. Review status: criteria provided, single submitter. Criteria: LabCorp Variant Classification Summary - May 2015. Collection method: clinical testing. Allele origin: germline.

Sema4
Classification: Likely benign for Hereditary cancer-predisposing syndrome. Last evaluated: 2021-05-21. Review status: criteria provided, single submitter. Criteria: Sema4 Curation Guidelines. Collection method: curation. Allele origin: germline.

Ambry Genetics
Classification: Likely benign for Hereditary cancer-predisposing syndrome. Last evaluated: 2017-04-10. Review status: criteria provided, single submitter. Criteria: Ambry Variant Classification Scheme 2023. Collection method: clinical testing. Allele origin: germline.

GeneDx
Classification: Benign. Last evaluated: 2014-02-06. Review status: criteria provided, single submitter. Criteria: GeneDx Variant Classification (06012015). Collection method: clinical testing. Allele origin: germline. Affected: yes.
Comment: This variant is considered likely benign or benign based on one or more of the following criteria: it is a conservative change, it occurs at a poorly conserved position in the protein, it is predicted to be benign by multiple in silico algorithms, and/or has population frequency not consistent with disease.

Genetic Services Laboratory, University of Chicago
Classification: Likely benign. Last evaluated: 2022-06-20. Review status: no assertion criteria provided. Collection method: clinical testing. Allele origin: germline. Affected: no. Not counted in ClinVar's aggregate classification.

PreventionGenetics, part of Exact Sciences
Classification: Likely benign for HOXB13-related condition. Last evaluated: 2019-11-05. Review status: no assertion criteria provided. Collection method: clinical testing. Allele origin: germline. Not counted in ClinVar's aggregate classification.
Comment: This variant is classified as likely benign based on ACMG/AMP sequence variant interpretation guidelines (Richards et al. 2015 PMID: 25741868, with internal and published modifications).